The following is an entry in ClinVar:

NM_004304.5(ALK):c.1372C>T (p.His458Tyr)

Gene: ALK (ALK receptor tyrosine kinase; minus strand). Cytogenetic location: 2p23.2.
Variant type: single nucleotide variant.
Coding change: c.1372C>T on transcript NM_004304.5 (MANE Select); coding-DNA position 1372, C replaced by T.
Protein change: p.His458Tyr; replaces histidine 458 with tyrosine.
Molecular consequence: missense variant.
Genome position (GRCh38, 1-based): chr2:29,328,392, G>A on the plus strand (C>T on the coding strand, the complement: ALK is on the minus strand). VCF-style: chr2-29328392-G-A. GRCh37 (hg19) VCF-style: chr2-29551258-G-A.
Other names: short protein forms H458Y.
Identifiers: ClinVar variation 2443128 (VCV002443128.5), dbSNP rs2465459349, ClinGen allele CA346474209.

ClinVar aggregate classification (germline): Uncertain significance. Review status: criteria provided, single submitter (1 of 4 stars). 2 submissions from 2 submitters: Uncertain significance (1). 1 of the submissions does not count toward it. Last evaluated 2024-02-01.

Conditions:
Neuroblastoma, susceptibility to, 3. Also called: ALK-Related Neuroblastic Tumor Susceptibility. Identifiers: Orphanet 635, MedGen C2751681, MONDO:0013083, OMIM 613014.

Submissions (2):

Labcorp Genetics (formerly Invitae), Labcorp
Classification: Uncertain significance for Neuroblastoma, susceptibility to, 3. Last evaluated: 2024-02-01. Review status: criteria provided, single submitter. Criteria: Invitae Variant Classification Sherloc (09022015). Collection method: clinical testing. Allele origin: germline.
Comment: This sequence change replaces histidine, which is basic and polar, with tyrosine, which is neutral and polar, at codon 458 of the ALK protein (p.His458Tyr). This variant is not present in population databases (gnomAD no frequency). This variant has not been reported in the literature in individuals affected with ALK-related conditions. ClinVar contains an entry for this variant (Variation ID: 2443128). An algorithm developed to predict the effect of missense changes on protein structure and function (PolyPhen-2) suggests that this variant is likely to be tolerated. In summary, the available evidence is currently insufficient to determine the role of this variant in disease. Therefore, it has been classified as a Variant of Uncertain Significance.

Genetic Services Laboratory, University of Chicago
Classification: Uncertain significance. Last evaluated: 2022-12-15. Review status: no assertion criteria provided. Collection method: clinical testing. Allele origin: germline. Affected: no. Not counted in ClinVar's aggregate classification.
Comment: DNA sequence analysis of the ALK gene demonstrated a sequence change, c.1372C>T, in exon 6 that results in an amino acid change, p.His458Tyr. This sequence change does not appear to have been previously described in individuals with ALK-related disorders and has also not been described in population databases such as ExAC and gnomAD. The p.His458Tyr change affects a moderately conserved amino acid residue located in a domain of the ALK protein that is known to be functional. The p.His458Tyr substitution appears to be benign using several in-silico pathogenicity prediction tools (SIFT, PolyPhen2, Align GVGD, REVEL). Due to insufficient evidences and the lack of functional studies, the clinical significance of the p.His458Tyr change remains unknown at this time.